The following is an entry in ClinVar:

ClinVar aggregate classification (germline): Benign (1 of 4 stars; one submission).

Conditions:
Noonan syndrome 6 (NS6). Also called: NRAS-Related Noonan Syndrome. Identifiers: Orphanet 648, MedGen C2750732, MONDO:0013186, OMIM 613224.

Allele frequency attached by ClinVar (database versions not stated): gnomAD 0.02764 and 0.02952; TOPMed 0.03103; 1000 Genomes Project 0.03235; 1000 Genomes Project 30x 0.03389.

Submission:

Illumina Laboratory Services, Illumina
Classification: Benign for Noonan syndrome 6. Last evaluated: 2018-01-13. Review status: criteria provided, single submitter. Criteria: ICSL Variant Classification Criteria 13 December 2019. Collection method: clinical testing. Allele origin: germline.
Comment: This variant was observed in the ICSL laboratory as part of a predisposition screen in an ostensibly healthy population. It had not been previously curated by ICSL or reported in the Human Gene Mutation Database (HGMD: prior to June 1st, 2018), and was therefore a candidate for classification through an automated scoring system. Utilizing variant allele frequency, disease prevalence and penetrance estimates, and inheritance mode, an automated score was calculated to assess if this variant is too frequent to cause the disease. Based on the score and internal cut-off values, a variant classified as benign is not then subjected to further curation. The score for this variant resulted in a classification of benign for this disease.

NM_002524.5(NRAS):c.*687A>G

Gene: NRAS (NRAS proto-oncogene, GTPase; minus strand). Cytogenetic location: 1p13.2.
Variant type: single nucleotide variant.
Coding change: c.*687A>G on transcript NM_002524.5 (MANE Select); 687 bases downstream of the stop codon, A replaced by G.
Molecular consequence: 3 prime UTR variant.
Genome position (GRCh38, 1-based): chr1:114,707,407, T>C on the plus strand (A>G on the coding strand, the complement: NRAS is on the minus strand). VCF-style: chr1-114707407-T-C. GRCh37 (hg19) VCF-style: chr1-115250028-T-C.
Identifiers: ClinVar variation 875279 (VCV000875279.4), dbSNP rs9724644, ClinGen allele CA29040800.
Genomic context (GRCh38, chr1:114,707,407, plus strand): 5'-TCACAGACGTATCTCAGACATTCATTTCATGCATAAGGATTTTTGAGACATCTATTCCAC[T>C]GAAATATTATAAAGGAAGTCTACAAACCACTTCTAGGAAAAAGGCACTTCACTGTGAAAG-3'